The following is an entry in ClinVar:

ClinVar aggregate classification (germline): Uncertain significance. Review status: criteria provided, multiple submitters, no conflicts (2 of 4 stars). 2 submissions from 2 submitters: Uncertain significance (2). Last evaluated 2025-08-13.

gnomAD v4.1: 9 of 1,613,856 alleles (0.00056%); highest among the groups gnomAD compares: Middle Eastern, 0.016%; no homozygotes.

Submissions (2):

Ambry Genetics
Classification: Uncertain significance. Last evaluated: 2025-08-13. Review status: criteria provided, single submitter. Criteria: Ambry Variant Classification Scheme 2023. Collection method: clinical testing. Allele origin: germline.

Labcorp Genetics (formerly Invitae), Labcorp
Classification: Uncertain significance. Last evaluated: 2025-05-21. Review status: criteria provided, single submitter. Criteria: Invitae Variant Classification Sherloc (09022015). Collection method: clinical testing. Allele origin: germline.
Comment: This sequence change replaces arginine, which is basic and polar, with glutamine, which is neutral and polar, at codon 2039 of the NIN protein (p.Arg2039Gln). This variant is present in population databases (rs774918630, gnomAD 0.007%). This variant has not been reported in the literature in individuals affected with NIN-related conditions. An algorithm developed to predict the effect of missense changes on protein structure and function (PolyPhen-2) suggests that this variant is likely to be disruptive. In summary, the available evidence is currently insufficient to determine the role of this variant in disease. Therefore, it has been classified as a Variant of Uncertain Significance.

NM_020921.4(NIN):c.6116G>A (p.Arg2039Gln)

Gene: NIN (ninein; minus strand). Cytogenetic location: 14q22.1.
Variant type: single nucleotide variant.
Coding change: c.6116G>A on transcript NM_020921.4 (MANE Select); coding-DNA position 6116, G replaced by A.
Protein change: p.Arg2039Gln; replaces arginine 2039 with glutamine.
Molecular consequence: missense variant.
Genome position (GRCh38, 1-based): chr14:50,726,029, C>T on the plus strand (G>A on the coding strand, the complement: NIN is on the minus strand). VCF-style: chr14-50726029-C-T. GRCh37 (hg19) VCF-style: chr14-51192747-C-T.
Other names: c.3977G>A, p.Arg1326Gln (NM_016350.5); c.6116G>A, p.Arg2039Gln (NM_182946.2); short protein forms R2039Q, R1326Q.
Identifiers: ClinVar variation 4119994 (VCV004119994.2).